The following is an entry in ClinVar:

ClinVar aggregate classification (germline): Uncertain significance. Review status: criteria provided, multiple submitters, no conflicts (2 of 4 stars). 4 submissions from 4 submitters: Uncertain significance (4). Last evaluated 2024-11-14.

Conditions:
Familial adenomatous polyposis 1 (FAP1). Also called: FAMILIAL ADENOMATOUS POLYPOSIS 1, ATTENUATED; POLYPOSIS, ADENOMATOUS INTESTINAL. Identifiers: MedGen C2713442, MONDO:0021056, OMIM 175100. Disease mechanism: loss of function.
Desmoid disease, hereditary (DESMD). Also called: FIBROMATOSIS, FAMILIAL INFILTRATIVE. Identifiers: Orphanet 873, MedGen C1851124, OMIM 135290. Disease mechanism: loss of function.
Colorectal cancer. Also called: Colorectal cancer, somatic; Malignant Colorectal Neoplasm. Identifiers: MedGen C0346629, MONDO:0005575, OMIM 114500.
Gastric adenocarcinoma and proximal polyposis of the stomach (GAPPS). Also called: POLYPOSIS, GASTRIC; Polyposis, gastric, Dos Santos and de Magalhaes 1980; Gastric Adenocarcinoma and Proximal Polyposis of the Stomach (GAPPS). Identifiers: Orphanet 314022, MedGen C4749917, MONDO:0017790, OMIM 619182.
Hepatocellular carcinoma (HCC). Also called: HEPATOMA; LIVER CELL CARCINOMA; Primary carcinoma of liver. Identifiers: Orphanet 88673, MedGen C2239176, MONDO:0007256, OMIM 114550, HP:0001402.
Gastric cancer. Also called: Stomach cancer; Malignant tumor of stomach. Identifiers: MedGen C0024623, MeSH D013274, MONDO:0001056, OMIM 613659, HP:0012126.
Hereditary cancer-predisposing syndrome. Also called: Hereditary neoplastic syndrome; Neoplastic Syndromes, Hereditary; Hereditary Cancer Syndrome; Tumor predisposition. Identifiers: Orphanet 140162, MedGen C0027672, MeSH D009386, MONDO:0015356.

Submissions (4):

Ambry Genetics
Classification: Uncertain significance for Hereditary cancer-predisposing syndrome. Last evaluated: 2024-11-14. Review status: criteria provided, single submitter. Criteria: Ambry Variant Classification Scheme 2023. Collection method: clinical testing. Allele origin: germline.
Comment: The p.G2073D variant (also known as c.6218G>A), located in coding exon 15 of the APC gene, results from a G to A substitution at nucleotide position 6218. The glycine at codon 2073 is replaced by aspartic acid, an amino acid with similar properties. This amino acid position is well conserved in available vertebrate species. In addition, in silico predictors for this gene do not accurately predict pathogenicity. Missense alterations in APC are not a common cause of disease (Spier I et al. Genet Med. 2024 Feb;26(2):100992). Based on the available evidence, the clinical significance of this variant remains unclear.

Labcorp Genetics (formerly Invitae), Labcorp
Classification: Uncertain significance for Familial adenomatous polyposis 1. Last evaluated: 2023-12-18. Review status: criteria provided, single submitter. Criteria: Invitae Variant Classification Sherloc (09022015). Collection method: clinical testing. Allele origin: germline.
Comment: This sequence change replaces glycine, which is neutral and non-polar, with aspartic acid, which is acidic and polar, at codon 2073 of the APC protein (p.Gly2073Asp). This variant is not present in population databases (gnomAD no frequency). This variant has not been reported in the literature in individuals affected with APC-related conditions. ClinVar contains an entry for this variant (Variation ID: 923281). Advanced modeling of protein sequence and biophysical properties (such as structural, functional, and spatial information, amino acid conservation, physicochemical variation, residue mobility, and thermodynamic stability) performed at Invitae indicates that this missense variant is not expected to disrupt APC protein function with a negative predictive value of 95%. In summary, the available evidence is currently insufficient to determine the role of this variant in disease. Therefore, it has been classified as a Variant of Uncertain Significance.

Color Diagnostics, LLC DBA Color Health
Classification: Uncertain significance for Hereditary cancer-predisposing syndrome. Last evaluated: 2023-12-04. Review status: criteria provided, single submitter. Criteria: ACMG Guidelines, 2015. Collection method: clinical testing. Allele origin: germline.
Comment: This missense variant replaces glycine with aspartic acid at codon 2073 of the APC protein. Computational prediction suggests that this variant may not impact protein structure and function (internally defined REVEL score threshold <= 0.5, PMID: 27666373). To our knowledge, functional studies have not been reported for this variant. This variant has not been reported in individuals affected with APC-related disorders in the literature. This variant has not been identified in the general population by the Genome Aggregation Database (gnomAD). The available evidence is insufficient to determine the role of this variant in disease conclusively. Therefore, this variant is classified as a Variant of Uncertain Significance.

Fulgent Genetics
Classification: Uncertain significance for Colorectal cancer; Hepatocellular carcinoma; Desmoid disease, hereditary; Familial adenomatous polyposis 1; Gastric cancer; Gastric adenocarcinoma and proximal polyposis of the stomach. Last evaluated: 2022-02-25. Review status: criteria provided, single submitter. Criteria: ACMG Guidelines, 2015. Collection method: clinical testing. Allele origin: unknown.

NM_000038.6(APC):c.6218G>A (p.Gly2073Asp)

Gene: APC (APC regulator of Wnt signaling pathway; plus strand). Cytogenetic location: 5q22.2.
Variant type: single nucleotide variant.
Coding change: c.6218G>A on transcript NM_000038.6 (MANE Select); coding-DNA position 6218, G replaced by A.
Protein change: p.Gly2073Asp; replaces glycine 2073 with aspartic acid.
Molecular consequence: missense variant.
Genome position (GRCh38, 1-based): chr5:112,841,812, G>A. VCF-style: chr5-112841812-G-A. GRCh37 (hg19) VCF-style: chr5-112177509-G-A.
Other names: c.6218G>A, p.Gly2073Asp (NM_001127510.3, NM_001354895.2); c.6164G>A, p.Gly2055Asp (NM_001127511.3); c.6272G>A, p.Gly2091Asp (NM_001354896.2); c.6248G>A, p.Gly2083Asp (NM_001354897.2); c.6143G>A, p.Gly2048Asp (NM_001354898.2); c.6134G>A, p.Gly2045Asp (NM_001354899.2); c.6095G>A, p.Gly2032Asp (NM_001354900.2); c.6041G>A, p.Gly2014Asp (NM_001354901.2); and 5 more; short protein forms G1947D, G1972D, G2014D, G2048D, G2073D, G2091D, G1913D, G2083D.
Identifiers: ClinVar variation 923281 (VCV000923281.17), dbSNP rs1766164614, ClinGen allele CA16034951.